The following is an entry in ClinVar:

NM_003184.4(TAF2):c.3469AAG[3] (p.Lys1160del)

Gene: TAF2 (TATA-box binding protein associated factor 2; minus strand). Cytogenetic location: 8q24.12.
Variant type: Microsatellite.
Coding change: c.3469AAG[3] on transcript NM_003184.4 (MANE Select); three copies in a row of the 3-base unit AAG starting at c.3469; the reference has four copies in a row; one copy, 3 bases deleted.
Protein change: p.Lys1160del; deletes lysine 1160.
Molecular consequence: inframe deletion.
Genome position (GRCh38, 1-based): chr8:119,732,044-119,732,046, CTT deleted on the plus strand (AAG on the coding strand, the reverse complement: TAF2 is on the minus strand); deleting any 3 consecutive bases within chr8:119,732,044-119,732,055 gives the same sequence; the position shown is the placement nearest the transcript's 3' end. VCF-style (leftmost placement, unchanged base first): chr8-119732043-GCTT-G. GRCh37 (hg19) VCF-style: chr8-120744283-GCTT-G.
Other names: short protein forms K1160del.
Identifiers: ClinVar variation 1394719 (VCV001394719.6), dbSNP rs771806869, ClinGen allele CA4856785.

ClinVar aggregate classification (germline): Uncertain significance (1 of 4 stars; one submission).

Submission:

Labcorp Genetics (formerly Invitae), Labcorp
Classification: Uncertain significance. Last evaluated: 2024-09-05. Review status: criteria provided, single submitter. Criteria: Invitae Variant Classification Sherloc (09022015). Collection method: clinical testing. Allele origin: germline.
Comment: This variant, c.3478_3480del, results in the deletion of 1 amino acid(s) of the TAF2 protein (p.Lys1160del), but otherwise preserves the integrity of the reading frame. This variant is present in population databases (rs771806869, gnomAD 0.004%). This variant has not been reported in the literature in individuals affected with TAF2-related conditions. Experimental studies and prediction algorithms are not available or were not evaluated, and the functional significance of this variant is currently unknown. In summary, the available evidence is currently insufficient to determine the role of this variant in disease. Therefore, it has been classified as a Variant of Uncertain Significance.